The following is an entry in ClinVar:

NM_006009.4(TUBA1A):c.453G>A (p.Ser151=)

Gene: TUBA1A (tubulin alpha 1a; minus strand). Cytogenetic location: 12q13.12.
Variant type: single nucleotide variant.
Coding change: c.453G>A on transcript NM_006009.4 (MANE Select); coding-DNA position 453, G replaced by A.
Protein change: p.Ser151=; no amino-acid change (serine 151 retained).
Molecular consequence: synonymous variant.
Genome position (GRCh38, 1-based): chr12:49,185,913, C>T on the plus strand (G>A on the coding strand, the complement: TUBA1A is on the minus strand). VCF-style: chr12-49185913-C-T. GRCh37 (hg19) VCF-style: chr12-49579696-C-T.
Other names: c.453G>A (NM_006009.3); c.453G>A, p.Ser151= (NM_001270399.2); c.348G>A, p.Ser116= (NM_001270400.2).
Identifiers: ClinVar variation 2903235 (VCV002903235.5), dbSNP rs697624, ClinGen allele CA6550247.
Genomic context (GRCh38, chr12:49,185,913, plus strand): 5'-AATAGAGAACTCCAGCTTGGACTTCTTGCCATAATCAACTGAGAGACGTTCCATGAGCAG[C>T]GAGGTGAACCCAGAACCAGTTCCCCCACCAAAGCTGTGGAAAACCAAGAAGCCCTGGAGA-3'
Protein context (NP_006000.2, residues 141-161): FGGGTGSGFT[Ser151=]LLMERLSVDY

ClinVar aggregate classification (germline): Likely benign. Review status: criteria provided, single submitter (1 of 4 stars). 2 submissions from 2 submitters: Likely benign (1). 1 of the submissions does not count toward it. Last evaluated 2025-07-29.

Conditions:
TUBA1A-related disorder. Also called: TUBA1A-related condition.

gnomAD v4.1: 20 of 1,613,246 alleles (0.0012%); highest among the groups gnomAD compares: Admixed American, 0.02%; no homozygotes.

Submissions (2):

Labcorp Genetics (formerly Invitae), Labcorp
Classification: Likely benign. Last evaluated: 2025-07-29. Review status: criteria provided, single submitter. Criteria: Invitae Variant Classification Sherloc (09022015). Collection method: clinical testing. Allele origin: germline.

PreventionGenetics, part of Exact Sciences
Classification: Likely benign for TUBA1A-related condition. Last evaluated: 2019-06-11. Review status: no assertion criteria provided. Collection method: clinical testing. Allele origin: germline. Not counted in ClinVar's aggregate classification.
Comment: This variant is classified as likely benign based on ACMG/AMP sequence variant interpretation guidelines (Richards et al. 2015 PMID: 25741868, with internal and published modifications).